The following is an entry in ClinVar:

ClinVar aggregate classification (germline): Likely benign. Review status: criteria provided, multiple submitters, no conflicts (2 of 4 stars). 3 submissions from 3 submitters: Likely benign (3). Last evaluated 2026-01-01.

Conditions:
PDX1-related disorder. Also called: PDX1-related disorders; PDX1-related condition.

Submissions (3):

CeGaT Center for Human Genetics Tuebingen
Classification: Likely benign. Last evaluated: 2026-01-01. Review status: criteria provided, single submitter. Criteria: CeGaT Center For Human Genetics Tuebingen Variant Classification Criteria Version 2. Collection method: clinical testing. Allele origin: germline. Affected: yes. Observed: 1 variant allele.
Comment: PDX1: BP4, BP7

PreventionGenetics, part of Exact Sciences
Classification: Likely benign for PDX1-related condition. Last evaluated: 2025-06-27. Review status: criteria provided, single submitter. Criteria: ACMG Guidelines, 2015. Collection method: clinical testing. Allele origin: germline.
Comment: This variant is classified as likely benign based on ACMG/AMP sequence variant interpretation guidelines (Richards et al. 2015 PMID: 25741868, with internal and published modifications).

Labcorp Genetics (formerly Invitae), Labcorp
Classification: Likely benign. Last evaluated: 2025-03-23. Review status: criteria provided, single submitter. Criteria: Invitae Variant Classification Sherloc (09022015). Collection method: clinical testing. Allele origin: germline.

NM_000209.4(PDX1):c.261G>C (p.Pro87=)

Gene: PDX1 (pancreatic and duodenal homeobox 1; plus strand). Cytogenetic location: 13q12.2.
Variant type: single nucleotide variant.
Coding change: c.261G>C on transcript NM_000209.4 (MANE Select); coding-DNA position 261, G replaced by C.
Protein change: p.Pro87=; no amino-acid change (proline 87 retained).
Molecular consequence: synonymous variant.
Genome position (GRCh38, 1-based): chr13:27,920,399, G>C. VCF-style: chr13-27920399-G-C. GRCh37 (hg19) VCF-style: chr13-28494536-G-C.
Other names: c.261G>C (NM_000209.3).
Identifiers: ClinVar variation 3710671 (VCV003710671.7).